The following is an entry in ClinVar:

NM_000038.6(APC):c.7268A>G (p.Lys2423Arg)

Gene: APC (APC regulator of Wnt signaling pathway; plus strand). Cytogenetic location: 5q22.2.
Variant type: single nucleotide variant.
Coding change: c.7268A>G on transcript NM_000038.6 (MANE Select); coding-DNA position 7268, A replaced by G.
Protein change: p.Lys2423Arg; replaces lysine 2423 with arginine.
Molecular consequence: missense variant. On other transcripts: non-coding transcript variant (2).
Genome position (GRCh38, 1-based): chr5:112,842,862, A>G. VCF-style: chr5-112842862-A-G. GRCh37 (hg19) VCF-style: chr5-112178559-A-G.
Other names: c.6965A>G, p.Lys2322Arg (NM_001354903.2, NM_001407458.1, NM_001407459.1 and 1 more transcripts); c.6890A>G, p.Lys2297Arg (NM_001354904.2); c.6788A>G, p.Lys2263Arg (NM_001354905.2); c.6419A>G, p.Lys2140Arg (NM_001354906.2, NM_001407470.1); c.7352A>G, p.Lys2451Arg (NM_001407446.1); c.7322A>G, p.Lys2441Arg (NM_001407447.1, NM_001407448.1, NM_001407449.1 and 1 more transcripts); c.7268A>G, p.Lys2423Arg (NM_001407450.1, NM_001127510.3, NM_001354895.2); c.7247A>G, p.Lys2416Arg (NM_001407451.1); and 11 more; short protein forms K2140R, K2332R, K2364R, K2039R, K2382R, K2395R, K2398R, K2405R.
Identifiers: ClinVar variation 5025825 (VCV005025825.1).

ClinVar aggregate classification (germline): Uncertain significance (1 of 4 stars; one submission).

Conditions:
Hereditary cancer-predisposing syndrome. Also called: Neoplastic Syndromes, Hereditary; Tumor predisposition; Hereditary neoplastic syndrome; Hereditary Cancer Syndrome. Identifiers: Orphanet 140162, MedGen C0027672, MeSH D009386, MONDO:0015356.

Submission:

Ambry Genetics
Classification: Uncertain significance for Hereditary cancer-predisposing syndrome. Last evaluated: 2026-08-16. Review status: criteria provided, single submitter. Criteria: Ambry Variant Classification Scheme 2023. Collection method: clinical testing. Allele origin: germline.
Comment: The p.K2423R variant (also known as c.7268A>G), located in coding exon 15 of the APC gene, results from an A to G substitution at nucleotide position 7268. The lysine at codon 2423 is replaced by arginine, an amino acid with highly similar properties. This amino acid position is conserved. In addition, in silico predictors for this gene do not accurately predict pathogenicity. Based on the available evidence, the clinical significance of this variant remains unclear.